The following is an entry in ClinVar:

ClinVar aggregate classification (germline): Uncertain significance. Review status: criteria provided, multiple submitters, no conflicts (2 of 4 stars). 2 submissions from 2 submitters: Uncertain significance (2). Last evaluated 2021-08-31.

Conditions:
Hereditary cancer-predisposing syndrome. Also called: Neoplastic Syndromes, Hereditary; Tumor predisposition; Hereditary Cancer Syndrome; Hereditary neoplastic syndrome. Identifiers: Orphanet 140162, MedGen C0027672, MeSH D009386, MONDO:0015356.
Fanconi anemia complementation group O. Also called: RAD51C-Related Fanconi Anemia. Identifiers: Orphanet 84, MedGen C3150653, MONDO:0013248, OMIM 613390.

Submissions (2):

Labcorp Genetics (formerly Invitae), Labcorp
Classification: Uncertain significance for Fanconi anemia complementation group O. Last evaluated: 2021-08-31. Review status: criteria provided, single submitter. Criteria: Invitae Variant Classification Sherloc (09022015). Collection method: clinical testing. Allele origin: germline.
Comment: This sequence change replaces proline with serine at codon 127 of the RAD51C protein (p.Pro127Ser). The proline residue is highly conserved and there is a moderate physicochemical difference between proline and serine. This variant is not present in population databases (ExAC no frequency). This variant has not been reported in the literature in individuals affected with RAD51C-related conditions. ClinVar contains an entry for this variant (Variation ID: 538782). Algorithms developed to predict the effect of missense changes on protein structure and function are either unavailable or do not agree on the potential impact of this missense change (SIFT: "Tolerated"; PolyPhen-2: "Probably Damaging"; Align-GVGD: "Class C0"). In summary, the available evidence is currently insufficient to determine the role of this variant in disease. Therefore, it has been classified as a Variant of Uncertain Significance.

Ambry Genetics
Classification: Uncertain significance for Hereditary cancer-predisposing syndrome. Last evaluated: 2021-06-13. Review status: criteria provided, single submitter. Criteria: Ambry Variant Classification Scheme 2023. Collection method: clinical testing. Allele origin: germline.
Comment: The p.P127S variant (also known as c.379C>T), located in coding exon 2 of the RAD51C gene, results from a C to T substitution at nucleotide position 379. The proline at codon 127 is replaced by serine, an amino acid with similar properties. This amino acid position is conserved. In addition, this alteration is predicted to be deleterious by in silico analysis. Since supporting evidence is limited at this time, the clinical significance of this alteration remains unclear.

NM_058216.3(RAD51C):c.379C>T (p.Pro127Ser)

Gene: RAD51C (RAD51 paralog C; plus strand). Cytogenetic location: 17q22.
Variant type: single nucleotide variant.
Coding change: c.379C>T on transcript NM_058216.3 (MANE Select); coding-DNA position 379, C replaced by T.
Protein change: p.Pro127Ser; replaces proline 127 with serine.
Molecular consequence: missense variant. On other transcripts: non-coding transcript variant (2).
Genome position (GRCh38, 1-based): chr17:58,695,164, C>T. VCF-style: chr17-58695164-C-T. GRCh37 (hg19) VCF-style: chr17-56772525-C-T.
Other names: c.379C>T, p.Pro127Ser (NM_002876.4); short protein forms P127S.
Identifiers: ClinVar variation 538782 (VCV000538782.8), dbSNP rs587782222, ClinGen allele CA400341888.